The following is an entry in ClinVar:

NM_004453.4(ETFDH):c.831+224C>T

Gene: ETFDH (electron transfer flavoprotein dehydrogenase; plus strand). Cytogenetic location: 4q32.1.
Variant type: single nucleotide variant.
Coding change: c.831+224C>T on transcript NM_004453.4 (MANE Select); 224 bases into the intron after coding-DNA position 831, C replaced by T.
Molecular consequence: intron variant.
Genome position (GRCh38, 1-based): chr4:158,695,867, C>T. VCF-style: chr4-158695867-C-T. GRCh37 (hg19) VCF-style: chr4-159617019-C-T.
Other names: c.690+224C>T (NM_001281737.2); c.648+224C>T (NM_001281738.1).
Identifiers: ClinVar variation 680123 (VCV000680123.1), dbSNP rs4263349, ClinGen allele CA108811321.
Genomic context (GRCh38, chr4:158,695,867, plus strand): 5'-AGAAGATATTACTGATCAAATTATATTACTGGTTAAGTTAGTTTTACATGTTGGAATTGT[C>T]GTATCAAGTGTTGCTTGAAGTGAATCTTGAACTTGTGAATATTTGAATCTTTTTTATTTT-3'

ClinVar aggregate classification (germline): Benign (1 of 4 stars; one submission).

Allele frequency attached by ClinVar (database versions not stated): TOPMed 0.99322; 1000 Genomes Project 0.99341; 1000 Genomes Project 30x 0.99375; gnomAD 0.99413 and 0.99447.
gnomAD v4.1: 151,501 of 152,336 alleles (99%); highest among the groups gnomAD compares: Middle Eastern, 100%; 75,342 homozygotes.

Submission:

GeneDx
Classification: Benign. Last evaluated: 2018-06-19. Review status: criteria provided, single submitter. Criteria: GeneDx Variant Classification (06012015). Collection method: clinical testing. Allele origin: germline. Affected: yes.
Comment: This variant is considered likely benign or benign based on one or more of the following criteria: it is a conservative change, it occurs at a poorly conserved position in the protein, it is predicted to be benign by multiple in silico algorithms, and/or has population frequency not consistent with disease.